The following is an entry in ClinVar:

NM_001128178.3(NPHP1):c.1363C>T (p.Leu455Phe)

Gene: NPHP1 (nephrocystin 1; minus strand). Cytogenetic location: 2q13.
Variant type: single nucleotide variant.
Coding change: c.1363C>T on transcript NM_001128178.3 (MANE Select); coding-DNA position 1363, C replaced by T.
Protein change: p.Leu455Phe; replaces leucine 455 with phenylalanine.
Molecular consequence: missense variant.
Genome position (GRCh38, 1-based): chr2:110,144,559, G>A on the plus strand (C>T on the coding strand, the complement: NPHP1 is on the minus strand). VCF-style: chr2-110144559-G-A. GRCh37 (hg19) VCF-style: chr2-110902136-G-A.
Other names: c.1531C>T, p.Leu511Phe (NM_000272.5); c.1174C>T, p.Leu392Phe (NM_001128179.3); c.1360C>T, p.Leu454Phe (NM_001374256.1); c.1363C>T, p.Leu455Phe (NM_001374257.1); c.1528C>T, p.Leu510Phe (NM_207181.4); short protein forms L454F, L511F, L392F, L510F, L455F.
Identifiers: ClinVar variation 1965328 (VCV001965328.5), dbSNP rs2467239630, ClinGen allele CA348087560.

ClinVar aggregate classification (germline): Uncertain significance (1 of 4 stars; one submission).

Conditions:
Nephronophthisis. Also called: Juvenile Nephronophthisis. Identifiers: Orphanet 655, MedGen C0687120, MONDO:0019005, HP:0000090.

Submission:

Labcorp Genetics (formerly Invitae), Labcorp
Classification: Uncertain significance for Nephronophthisis. Last evaluated: 2022-03-09. Review status: criteria provided, single submitter. Criteria: Invitae Variant Classification Sherloc (09022015). Collection method: clinical testing. Allele origin: germline.
Comment: This sequence change replaces leucine, which is neutral and non-polar, with phenylalanine, which is neutral and non-polar, at codon 511 of the NPHP1 protein (p.Leu511Phe). This variant is not present in population databases (gnomAD no frequency). This variant has not been reported in the literature in individuals affected with NPHP1-related conditions. Algorithms developed to predict the effect of missense changes on protein structure and function are either unavailable or do not agree on the potential impact of this missense change (SIFT: "Deleterious"; PolyPhen-2: "Probably Damaging"; Align-GVGD: "Class C0"). In summary, the available evidence is currently insufficient to determine the role of this variant in disease. Therefore, it has been classified as a Variant of Uncertain Significance.